The following is an entry in ClinVar:

ClinVar aggregate classification (germline): Conflicting classifications of pathogenicity. Review status: criteria provided, conflicting classifications (1 of 4 stars). 8 submissions from 7 submitters: Uncertain significance (3); Benign (3); Likely benign (2). Last evaluated 2026-10-15.

Conditions:
COL1A2-related disorder. Also called: COL1A2-related condition; COL1A2-Related Disorders.
Osteogenesis imperfecta (OI). Identifiers: Orphanet 666, MedGen C0029434, MeSH D010013, MONDO:0019019.
Osteogenesis imperfecta type I (OI1). Also called: Lobstein disease; Classic Non-deforming Osteogenesis Imperfecta with Blue Sclerae; Lobstein's Disease; OSTEOGENESIS IMPERFECTA TARDA; OSTEOGENESIS IMPERFECTA WITH BLUE SCLERAE; Osteogenesis imperfecta type 1. Identifiers: Orphanet 216796, Orphanet 666, MedGen C0023931, MONDO:0008146, OMIM 166200. Disease mechanism: loss of function.
Ehlers-Danlos syndrome, classic type, 1 (EDSCL1). Also called: Ehlers-Danlos syndrome, type 1; Ehlers-Danlos Syndrome, Classic Type, COL5A1-Related; EDS I; EHLERS-DANLOS SYNDROME, GRAVIS TYPE; EHLERS-DANLOS SYNDROME, SEVERE CLASSIC TYPE. Identifiers: MedGen C0268335, MONDO:0019567, OMIM 130000.
Ehlers-Danlos syndrome, arthrochalasia type, 2. Also called: EHLERS-DANLOS SYNDROME, TYPE VIIB, AUTOSOMAL DOMINANT. Identifiers: MedGen CN293783, MONDO:0040501, OMIM 617821.
Cardiovascular phenotype. Identifiers: MedGen CN230736.

Allele frequency attached by ClinVar (database versions not stated): gnomAD 0.00005; ExAC 0.00009; gnomAD exomes 0.00012 and 0.00005; ESP Exome Variant Server 0.00031; TOPMed 0.00007.
gnomAD v4.1: 85 of 1,613,482 alleles (0.0053%); highest among the groups gnomAD compares: Admixed American, 0.0017%; no homozygotes.

Submissions (8):

GeneDx
Classification: Uncertain significance. Last evaluated: 2026-10-15. Review status: criteria provided, single submitter. Criteria: GeneDx Variant Classification Process June 2021. Collection method: clinical testing. Allele origin: germline.
Comment: Has not been previously published as pathogenic or benign to our knowledge; In silico analysis suggests that this missense variant does not alter protein structure/function; Occurs in the triple helical domain at the X position in the canonical Gly-X-Y repeat; although this variant may have an effect on normal protein folding and function, missense substitution at the X position is not a common mechanism of disease (HGMD)

Women's Health and Genetics/Laboratory Corporation of America, LabCorp
Classification: Uncertain significance. Last evaluated: 2026-02-03. Review status: criteria provided, single submitter. Criteria: LabCorp Variant Classification Summary - May 2015. Collection method: clinical testing. Allele origin: germline.
Comment: Variant summary: COL1A2 c.526T>C (p.Phe176Leu) results in a non-conservative amino acid change in the encoded protein sequence. Algorithms developed to predict the effect of missense changes on protein structure and function are either unavailable or do not agree on the potential impact of this missense change. The variant allele was found at a frequency of 0.00012 in 251426 control chromosomes. This frequency is not significantly higher than estimated for disease-causing variants in COL1A2, allowing no conclusion about variant significance. To our knowledge, no occurrence of c.526T>C in individuals affected with COL1A2-related conditions and no experimental evidence demonstrating its impact on protein function have been reported. ClinVar contains an entry for this variant (Variation ID: 707304). Based on the evidence outlined above, the variant was classified as uncertain significance.

Labcorp Genetics (formerly Invitae), Labcorp
Classification: Likely benign for Osteogenesis imperfecta type I; Ehlers-Danlos syndrome, classic type, 1. Last evaluated: 2026-02-01. Review status: criteria provided, single submitter. Criteria: Invitae Variant Classification Sherloc (09022015). Collection method: clinical testing. Allele origin: germline.

PreventionGenetics, part of Exact Sciences
Classification: Likely benign for COL1A2-related condition. Last evaluated: 2025-12-16. Review status: criteria provided, single submitter. Criteria: ACMG Guidelines, 2015. Collection method: clinical testing. Allele origin: germline.
Comment: This variant is classified as likely benign based on ACMG/AMP sequence variant interpretation guidelines (Richards et al. 2015 PMID: 25741868, with internal and published modifications).

Ambry Genetics
Classification: Benign for Cardiovascular phenotype. Last evaluated: 2021-04-01. Review status: criteria provided, single submitter. Criteria: Ambry Variant Classification Scheme 2023. Collection method: clinical testing. Allele origin: germline.

CeGaT Center for Human Genetics Tuebingen
Classification: Uncertain significance. Last evaluated: 2017-08-01. Review status: criteria provided, single submitter. Criteria: CeGaT Center For Human Genetics Tuebingen Variant Classification Criteria Version 2. Collection method: clinical testing. Allele origin: germline. Affected: yes. Observed: 1 variant allele.

Illumina Laboratory Services, Illumina
Classification: Benign for Osteogenesis imperfecta. Last evaluated: 2017-05-10. Review status: criteria provided, single submitter. Criteria: ICSL Variant Classification Criteria 13 December 2019. Collection method: clinical testing. Allele origin: germline.
Comment: This variant was observed as part of a predisposition screen in an ostensibly healthy population. A literature search was performed for the gene, cDNA change, and amino acid change (where applicable). No publications were found based on this search. Allele frequency data from public databases was too high to be consistent with this variant causing disease. Therefore, this variant is classified as benign.

Illumina Laboratory Services, Illumina
Classification: Benign for Ehlers-Danlos syndrome, arthrochalasia type, 2. Last evaluated: 2017-05-10. Review status: criteria provided, single submitter. Criteria: ICSL Variant Classification Criteria 13 December 2019. Collection method: clinical testing. Allele origin: germline.
Comment: the same text as in the submission from Illumina Laboratory Services, Illumina above.

NM_000089.4(COL1A2):c.526T>C (p.Phe176Leu)

Gene: COL1A2 (collagen type I alpha 2 chain; plus strand). Cytogenetic location: 7q21.3.
Variant type: single nucleotide variant.
Coding change: c.526T>C on transcript NM_000089.4 (MANE Select); coding-DNA position 526, T replaced by C.
Protein change: p.Phe176Leu; replaces phenylalanine 176 with leucine.
Molecular consequence: missense variant.
Genome position (GRCh38, 1-based): chr7:94,405,712, T>C. VCF-style: chr7-94405712-T-C. GRCh37 (hg19) VCF-style: chr7-94035024-T-C.
Other names: short protein forms F176L.
Identifiers: ClinVar variation 707304 (VCV000707304.61), dbSNP rs370234887, ClinGen allele CA4346699.